The following is an entry in ClinVar:

ClinVar aggregate classification (germline): Uncertain significance (1 of 4 stars; one submission).

Conditions:
ATP1A1-related disorder. Also called: ATP1A1-related condition.

Submission:

PreventionGenetics, part of Exact Sciences
Classification: Uncertain significance for ATP1A1-related condition. Last evaluated: 2023-08-09. Review status: criteria provided, single submitter. Criteria: ACMG Guidelines, 2015. Collection method: clinical testing. Allele origin: germline.
Comment: The ATP1A1 c.2926G>T variant is predicted to result in the amino acid substitution p.Val976Phe. To our knowledge, this variant has not been reported in the literature or in a large population database, indicating this variant is rare. At this time, the clinical significance of this variant is uncertain due to the absence of conclusive functional and genetic evidence.

NM_000701.8(ATP1A1):c.2926G>T (p.Val976Phe)

Genes: ATP1A1 (ATPase Na+/K+ transporting subunit alpha 1; plus strand), ATP1A1-AS1 (ATP1A1 antisense RNA 1; minus strand). Cytogenetic location: 1p13.1.
Variant type: single nucleotide variant.
Coding change: c.2926G>T on transcript NM_000701.8 (MANE Select); coding-DNA position 2926, G replaced by T.
Protein change: p.Val976Phe; replaces valine 976 with phenylalanine.
Molecular consequence: missense variant.
Genome position (GRCh38, 1-based): chr1:116,401,630, G>T. VCF-style: chr1-116401630-G-T. GRCh37 (hg19) VCF-style: chr1-116944252-G-T.
Other names: c.2926G>T, p.Val976Phe (NM_001160233.2); c.2833G>T, p.Val945Phe (NM_001160234.2); short protein forms V945F, V976F.
Identifiers: ClinVar variation 2631244 (VCV002631244.1), dbSNP rs760128653, ClinGen allele CA341776124.